The following is an entry in ClinVar:

ClinVar aggregate classification (germline): Uncertain significance. Review status: criteria provided, multiple submitters, no conflicts (2 of 4 stars). 3 submissions from 3 submitters: Uncertain significance (3). Last evaluated 2024-10-06.

Conditions:
Fanconi anemia complementation group P. Also called: SLX4-Related Fanconi Anemia. Identifiers: Orphanet 84, MedGen C3469542, MONDO:0013499, OMIM 613951.
Fanconi anemia (FA). Also called: Fanconi's anemia. Identifiers: Orphanet 84, MedGen C0015625, MeSH D005199, MONDO:0019391.

gnomAD v4.1: 19 of 1,567,122 alleles (0.0012%); highest among the groups gnomAD compares: Non-Finnish European, 0.0016%; no homozygotes.

Submissions (3):

Labcorp Genetics (formerly Invitae), Labcorp
Classification: Uncertain significance for Fanconi anemia. Last evaluated: 2024-10-06. Review status: criteria provided, single submitter. Criteria: Invitae Variant Classification Sherloc (09022015). Collection method: clinical testing. Allele origin: germline.
Comment: This sequence change replaces proline, which is neutral and non-polar, with glutamine, which is neutral and polar, at codon 600 of the SLX4 protein (p.Pro600Gln). The frequency data for this variant in the population databases is considered unreliable, as metrics indicate poor data quality at this position in the gnomAD database. This variant has not been reported in the literature in individuals affected with SLX4-related conditions. ClinVar contains an entry for this variant (Variation ID: 1337269). An algorithm developed to predict the effect of missense changes on protein structure and function outputs the following: PolyPhen-2: "Benign". The glutamine amino acid residue is found in multiple mammalian species, which suggests that this missense change does not adversely affect protein function. In summary, the available evidence is currently insufficient to determine the role of this variant in disease. Therefore, it has been classified as a Variant of Uncertain Significance.

Fulgent Genetics
Classification: Uncertain significance for Fanconi anemia complementation group P. Last evaluated: 2024-02-06. Review status: criteria provided, single submitter. Criteria: ACMG Guidelines, 2015. Collection method: clinical testing. Allele origin: germline.

Genetic Services Laboratory, University of Chicago
Classification: Uncertain significance. Last evaluated: 2019-07-03. Review status: criteria provided, single submitter. Criteria: ACMG Guidelines, 2015. Collection method: clinical testing. Allele origin: germline. Affected: no.

NM_032444.4(SLX4):c.1799C>A (p.Pro600Gln)

Gene: SLX4 (SLX4 structure-specific endonuclease subunit; minus strand). Cytogenetic location: 16p13.3.
Variant type: single nucleotide variant.
Coding change: c.1799C>A on transcript NM_032444.4 (MANE Select); coding-DNA position 1799, C replaced by A.
Protein change: p.Pro600Gln; replaces proline 600 with glutamine.
Molecular consequence: missense variant.
Genome position (GRCh38, 1-based): chr16:3,596,278, G>T on the plus strand (C>A on the coding strand, the complement: SLX4 is on the minus strand). VCF-style: chr16-3596278-G-T. GRCh37 (hg19) VCF-style: chr16-3646279-G-T.
Other names: short protein forms P600Q.
Identifiers: ClinVar variation 1337269 (VCV001337269.11), dbSNP rs749277750, ClinGen allele CA394527404.
Genomic context (GRCh38, chr16:3,596,278, plus strand): 5'-CTCGCCAGGTCCACGAGGTCCTGCAGGGCCTGGTGCTCCCTCTGGCTGGCCGAAGGCGAC[G>T]GGCCCCTGGAGCCACAGCCTGCAGTGGGGGTGCCGTGGAGAGCGGGTGACCTTCGCTCGC-3'
Protein context (NP_115820.2, residues 590-610): TPTAGCGSRG[Pro600Gln]SPSASQREHQ